The following is an entry in ClinVar:

ClinVar aggregate classification (germline): Pathogenic (1 of 4 stars; one submission).

Conditions:
Polycystic kidney disease 4 (PKD4). Also called: PKD3; Autosomal Recessive Polycystic Kidney Disease – PKHD1; POLYCYSTIC KIDNEY AND HEPATIC DISEASE 1; POLYCYSTIC KIDNEY DISEASE, INFANTILE, TYPE I; POLYCYSTIC KIDNEY DISEASE 4 WITH OR WITHOUT POLYCYSTIC LIVER DISEASE. Identifiers: MedGen C4540575, MONDO:0033004, OMIM 263200.

Submission:

Myriad Genetics, Inc.
Classification: Pathogenic for Polycystic kidney disease 4. Last evaluated: 2026-05-09. Review status: criteria provided, single submitter. Criteria: Myriad Autosomal Dominant, Autosomal Recessive and X-Linked Classification Criteria (2023). Collection method: clinical testing. Allele origin: unknown.
Comment: NM_138694.3(PKHD1):c.7945_7946delAA(N2649Lfs*14) is expected to be pathogenic in the context of autosomal recessive polycystic kidney disease, PKHD1-related. This variant is predicted to lead to an abnormal or absent protein product due to the creation of a premature termination codon in PKHD1, a gene where loss-of-function variants are known to be pathogenic. Please note: this variant was assessed in the context of healthy population screening.

NM_138694.4(PKHD1):c.7945_7946del (p.Asn2649fs)

Gene: PKHD1 (PKHD1 ciliary IPT domain containing fibrocystin/polyductin; minus strand). Cytogenetic location: 6p12.2.
Variant type: Deletion.
Coding change: c.7945_7946del on transcript NM_138694.4 (MANE Select); coding-DNA positions 7945 to 7946, 2 bases deleted (AA; older notation c.7945_7946delAA).
Protein change: p.Asn2649fs; shifts the reading frame from asparagine 2649.
Molecular consequence: frameshift variant.
Genome position (GRCh38, 1-based): chr6:51,847,936-51,847,937, TT deleted on the plus strand (AA on the coding strand, the reverse complement: PKHD1 is on the minus strand). VCF-style (leftmost placement, unchanged base first): chr6-51847935-ATT-A. GRCh37 (hg19) VCF-style: chr6-51712733-ATT-A.
Other names: c.7945_7946del, p.Asn2649fs (NM_170724.3); short protein forms N2649fs.
Identifiers: ClinVar variation 5015895 (VCV005015895.1).